The following is an entry in ClinVar:

ClinVar aggregate classification (germline): Pathogenic/Likely pathogenic. Review status: criteria provided, multiple submitters, no conflicts (2 of 4 stars). 4 submissions from 4 submitters: Pathogenic (1); Likely pathogenic (3). Last evaluated 2025-10-16.

Conditions:
Megalencephalic leukoencephalopathy with subcortical cysts. Also called: VAN DER KNAAP DISEASE. Identifiers: Orphanet 2478, MedGen C1858854, MONDO:0011391.
Megalencephalic leukoencephalopathy with subcortical cysts 1 (MLC1). Also called: VACUOLATING MEGALENCEPHALIC LEUKOENCEPHALOPATHY WITH SUBCORTICAL CYSTS; LEUKOENCEPHALOPATHY WITH SWELLING AND CYSTS. Identifiers: Orphanet 2478, MedGen C5779875, MONDO:0024555, OMIM 604004.

Allele frequency attached by ClinVar (database versions not stated): gnomAD exomes below 0.00001 and 0.00001; TOPMed below 0.00001; gnomAD 0.00001; ExAC 0.00004; ESP Exome Variant Server 0.00008.

Submissions (4):

Variantyx, Inc.
Classification: Likely pathogenic for Megalencephalic leukoencephalopathy with subcortical cysts 1. Last evaluated: 2025-10-16. Review status: criteria provided, single submitter. Criteria: Variantyx Assertion Criteria 2022. Collection method: clinical testing. Allele origin: germline. Inheritance: Autosomal recessive inheritance. Affected: no.
Comment: This is a frameshift variant in the MLC1 gene (OMIM: 605908). Pathogenic variants in this gene have been associated with autosomal recessive megalencephalic leukoencephalopathy with subcortical cysts 1. The alteration introduces a premature termination codon in exon 9 out of 12 and is expected to result in loss of function, which is a known disease mechanism for MLC1 in this disorder (PMID: 11254442, 16470554, 24824219) (PVS1). It has been reported in at least one affected individual (who carried a second variant in this gene; however, the phase of these variants could not be determined (PMID:37838930), and it has a 0.0004% maximum allele frequency in non-founder control populations (PM2). Based on the current evidence, this variant is classified as likely pathogenic for autosomal recessive megalencephalic leukoencephalopathy with subcortical cysts 1.

Natera, Inc.
Classification: Likely pathogenic for Megalencephalic leukoencephalopathy with subcortical cysts. Last evaluated: 2025-05-08. Review status: criteria provided, single submitter. Criteria: Natera Variant Classification Schema (03/2026). Collection method: clinical testing. Allele origin: germline.
Comment: The c.754dupT variant in MLC1 is a frameshift variant predicted to shift the reading frame beginning at codon 252 and leads to a stop codon 40 codons downstream. This variant is expected to result in nonsense mediated decay, truncation, or a dysfunctional protein product. This variant is rare in the general population with a frequency below the threshold expected for the associated phenotype(s). Given the available evidence, this variant is classified as Likely Pathogenic.

Labcorp Genetics (formerly Invitae), Labcorp
Classification: Pathogenic. Last evaluated: 2025-02-24. Review status: criteria provided, single submitter. Criteria: Invitae Variant Classification Sherloc (09022015). Collection method: clinical testing. Allele origin: germline.
Comment: This sequence change creates a premature translational stop signal (p.Cys252Leufs*40) in the MLC1 gene. It is expected to result in an absent or disrupted protein product. Loss-of-function variants in MLC1 are known to be pathogenic (PMID: 11254442, 16470554, 24824219). This variant is present in population databases (rs757250956, gnomAD 0.001%). This variant has not been reported in the literature in individuals affected with MLC1-related conditions. ClinVar contains an entry for this variant (Variation ID: 947987). For these reasons, this variant has been classified as Pathogenic.

Revvity Omics, Revvity
Classification: Likely pathogenic for Megalencephalic leukoencephalopathy with subcortical cysts 1. Last evaluated: 2023-07-31. Review status: criteria provided, single submitter. Criteria: ACMG Guidelines, 2015. Collection method: clinical testing. Allele origin: germline.

Literature cited by the submitters: PubMed 11254442 (cited by Variantyx, Inc. and Labcorp Genetics (formerly Invitae), Labcorp); PubMed 16470554 (cited by Variantyx, Inc. and Labcorp Genetics (formerly Invitae), Labcorp); PubMed 24824219 (cited by Variantyx, Inc. and Labcorp Genetics (formerly Invitae), Labcorp).

NM_015166.4(MLC1):c.754dup (p.Cys252fs)

Gene: MLC1 (modulator of VRAC current 1; minus strand). Cytogenetic location: 22q13.33.
Variant type: Duplication.
Coding change: c.754dup on transcript NM_015166.4 (MANE Select); coding-DNA position 754, one base duplicated (T; older notation c.754dupT).
Protein change: p.Cys252fs; shifts the reading frame from cysteine 252.
Molecular consequence: frameshift variant. On other transcripts: non-coding transcript variant (3), intron variant (1).
Genome position (GRCh38, 1-based): chr22:50,070,544, A duplicated on the plus strand (T on the coding strand, the reverse complement: MLC1 is on the minus strand). VCF-style (leftmost placement, unchanged base first): chr22-50070543-C-CA. GRCh37 (hg19) VCF-style: chr22-50508972-C-CA.
Other names: c.754dup, p.Cys252fs (NM_001376472.1, NM_001376473.1, NM_001376474.1 and 5 more transcripts); c.664dup, p.Cys222fs (NM_001376480.1); c.652dup, p.Cys218fs (NM_001376481.1); c.598dup, p.Cys200fs (NM_001376482.1, NM_001376483.1); c.517dup, p.Cys173fs (NM_001376484.1); c.715-1989dup (NM_001376479.1); c.754dupT (NM_015166.3); short protein forms C200fs, C173fs, C218fs, C222fs, C252fs.
Identifiers: ClinVar variation 947987 (VCV000947987.15), dbSNP rs757250956, ClinGen allele CA10303384.